The following is an entry in ClinVar:

ClinVar aggregate classification (germline): Uncertain significance (1 of 4 stars; one submission).

Conditions:
Primary ciliary dyskinesia. Also called: Ciliary dyskinesia. Identifiers: Orphanet 244, MedGen C0008780, MONDO:0016575, HP:0012265.

Submission:

Labcorp Genetics (formerly Invitae), Labcorp
Classification: Uncertain significance for Primary ciliary dyskinesia. Last evaluated: 2024-01-15. Review status: criteria provided, single submitter. Criteria: Invitae Variant Classification Sherloc (09022015). Collection method: clinical testing. Allele origin: germline.
Comment: This sequence change replaces glycine, which is neutral and non-polar, with glutamic acid, which is acidic and polar, at codon 539 of the DNAAF3 protein (p.Gly539Glu). This variant is not present in population databases (gnomAD no frequency). This variant has not been reported in the literature in individuals affected with DNAAF3-related conditions. ClinVar contains an entry for this variant (Variation ID: 1352048). Algorithms developed to predict the effect of missense changes on protein structure and function output the following: SIFT: "Not Available"; PolyPhen-2: "Benign"; Align-GVGD: "Not Available". The glutamic acid amino acid residue is found in multiple mammalian species, which suggests that this missense change does not adversely affect protein function. In summary, the available evidence is currently insufficient to determine the role of this variant in disease. Therefore, it has been classified as a Variant of Uncertain Significance.

NM_001256715.2(DNAAF3):c.1415G>A (p.Gly472Glu)

Gene: DNAAF3 (dynein axonemal assembly factor 3; minus strand). Cytogenetic location: 19q13.42.
Variant type: single nucleotide variant.
Coding change: c.1415G>A on transcript NM_001256715.2 (MANE Select); coding-DNA position 1415, G replaced by A.
Protein change: p.Gly472Glu; replaces glycine 472 with glutamic acid.
Molecular consequence: missense variant.
Genome position (GRCh38, 1-based): chr19:55,159,273, C>T on the plus strand (G>A on the coding strand, the complement: DNAAF3 is on the minus strand). VCF-style: chr19-55159273-C-T. GRCh37 (hg19) VCF-style: chr19-55670641-C-T.
Other names: c.1616G>A, p.Gly539Glu (NM_001256714.1); c.1253G>A, p.Gly418Glu (NM_001256716.2); c.1556G>A, p.Gly519Glu (NM_178837.4); short protein forms G539E, G418E, G472E, G519E.
Identifiers: ClinVar variation 1352048 (VCV001352048.8), dbSNP rs2147290092, ClinGen allele CA407446136.
Genomic context (GRCh38, chr19:55,159,273, plus strand): 5'-CCCTCAAGGGCTGGGTTGCTGGCTTCAAGAGGCTGGGCCAGGATGTCAAGGGGCGGAGTT[C>T]CGGGTTCCACAGCTGGGACAGTGTTGCCCAGAGCTGATTCCTGGGACTTGCAGAAACGTG-3'
Protein context (NP_001243644.1, residues 462-482): LGNTVPAVEP[Gly472Glu]TPPLDILAQP